The following is an entry in ClinVar:

ClinVar aggregate classification (germline): Uncertain significance (1 of 4 stars; one submission).

Conditions:
Susceptibility to respiratory infections associated with CD8alpha chain mutation (IMD116). Also called: IMMUNODEFICIENCY 116; Cd8 deficiency, familial. Identifiers: Orphanet 169085, MedGen C1837065, MONDO:0012161, OMIM 608957.

Submission:

Labcorp Genetics (formerly Invitae), Labcorp
Classification: Uncertain significance for Susceptibility to respiratory infections associated with CD8alpha chain mutation. Last evaluated: 2022-03-26. Review status: criteria provided, single submitter. Criteria: Invitae Variant Classification Sherloc (09022015). Collection method: clinical testing. Allele origin: germline.
Comment: This variant, c.591_593del, results in the deletion of 1 amino acid(s) of the CD8A protein (p.Leu198del), but otherwise preserves the integrity of the reading frame. This variant is present in population databases (no rsID available, gnomAD 0.04%). This variant has not been reported in the literature in individuals affected with CD8A-related conditions. ClinVar contains an entry for this variant (Variation ID: 967507). Experimental studies and prediction algorithms are not available or were not evaluated, and the functional significance of this variant is currently unknown. In summary, the available evidence is currently insufficient to determine the role of this variant in disease. Therefore, it has been classified as a Variant of Uncertain Significance.

NM_001768.7(CD8A):c.591_593del (p.Leu198del)

Gene: CD8A (CD8 subunit alpha; minus strand). Cytogenetic location: 2p11.2.
Variant type: Deletion.
Coding change: c.591_593del on transcript NM_001768.7 (MANE Select); coding-DNA positions 591 to 593, 3 bases deleted (CCT; older notation c.591_593delCCT).
Protein change: p.Leu198del; deletes leucine 198.
Molecular consequence: inframe deletion. On other transcripts: non-coding transcript variant (2), intron variant (1).
Genome position (GRCh38, 1-based): chr2:86,789,355-86,789,357, AGG deleted on the plus strand (CCT on the coding strand, the reverse complement: CD8A is on the minus strand); deleting any 3 consecutive bases within chr2:86,789,355-86,789,359 gives the same sequence; the c. name uses the placement nearest the transcript's 3' end. VCF-style (leftmost placement, unchanged base first): chr2-86789354-CAGG-C. GRCh37 (hg19) VCF-style: chr2-87016477-CAGG-C.
Other names: c.591_593del, p.Leu198del (NM_001145873.1, NM_001382698.1); c.514+283_514+285del (NM_171827.4); short protein forms L198del.
Identifiers: ClinVar variation 967507 (VCV000967507.9), dbSNP rs1281403160, ClinGen allele CA427165987.
Genomic context (GRCh38, chr2:86,789,354, plus strand): 5'-CCTTCCCGCCGCGATTCCTCGGGACTTACTGTGGTTGCAGTAAAGGGTGATAACCAGTGA[CAGG>C]AGAAGGACCCCACAAGTCCCGGCCAAGGGCGCCCAGATGTAGATATCACAGGCGAAGTCC-3'